The following is an entry in ClinVar:

NM_004329.3(BMPR1A):c.527A>G (p.Tyr176Cys)

Gene: BMPR1A (bone morphogenetic protein receptor type 1A; plus strand). Cytogenetic location: 10q23.2.
Variant type: single nucleotide variant.
Coding change: c.527A>G on transcript NM_004329.3 (MANE Select); coding-DNA position 527, A replaced by G.
Protein change: p.Tyr176Cys; replaces tyrosine 176 with cysteine.
Molecular consequence: missense variant.
Genome position (GRCh38, 1-based): chr10:86,900,123, A>G. VCF-style: chr10-86900123-A-G. GRCh37 (hg19) VCF-style: chr10-88659880-A-G.
Other names: short protein forms Y176C.
Identifiers: ClinVar variation 529932 (VCV000529932.11), dbSNP rs1554889024, ClinGen allele CA377450772.
Genomic context (GRCh38, chr10:86,900,123, plus strand): 5'-TGCTCATTTCTATGGCTGTCTGCATAATTGCTATGATCATCTTCTCCAGCTGCTTTTGTT[A>G]CAAGTAAGAAGATATTTATTTTGAAGCAAAATATTTTGTCAAATATTAGATGTCAACCGC-3'
Protein context (NP_004320.2, residues 166-186): AMIIFSSCFC[Tyr176Cys]KHYCKSISSR

ClinVar aggregate classification (germline): Uncertain significance. Review status: criteria provided, multiple submitters, no conflicts (2 of 4 stars). 2 submissions from 2 submitters: Uncertain significance (2). Last evaluated 2025-07-21.

Conditions:
Hereditary cancer-predisposing syndrome. Also called: Neoplastic Syndromes, Hereditary; Hereditary neoplastic syndrome; Tumor predisposition; Hereditary Cancer Syndrome. Identifiers: Orphanet 140162, MedGen C0027672, MeSH D009386, MONDO:0015356.
Juvenile polyposis syndrome (JPS). Identifiers: Orphanet 2929, MedGen C0345893, MONDO:0017380, OMIM 174900.

Allele frequency attached by ClinVar (database versions not stated): gnomAD exomes below 0.00001.
gnomAD v4.1: 1 of 1,613,242 alleles (0.000062%); highest among the groups gnomAD compares: Non-Finnish European, 0.000085%; no homozygotes.

Submissions (2):

Labcorp Genetics (formerly Invitae), Labcorp
Classification: Uncertain significance for Juvenile polyposis syndrome. Last evaluated: 2025-07-21. Review status: criteria provided, single submitter. Criteria: Invitae Variant Classification Sherloc (09022015). Collection method: clinical testing. Allele origin: germline.
Comment: This sequence change replaces tyrosine, which is neutral and polar, with cysteine, which is neutral and slightly polar, at codon 176 of the BMPR1A protein (p.Tyr176Cys). This variant is not present in population databases (gnomAD no frequency). This variant has not been reported in the literature in individuals affected with BMPR1A-related conditions. ClinVar contains an entry for this variant (Variation ID: 529932). Invitae Evidence Modeling of protein sequence and biophysical properties (such as structural, functional, and spatial information, amino acid conservation, physicochemical variation, residue mobility, and thermodynamic stability) indicates that this missense variant is not expected to disrupt BMPR1A protein function with a negative predictive value of 80%. In summary, the available evidence is currently insufficient to determine the role of this variant in disease. Therefore, it has been classified as a Variant of Uncertain Significance.

Ambry Genetics
Classification: Uncertain significance for Hereditary cancer-predisposing syndrome. Last evaluated: 2025-07-02. Review status: criteria provided, single submitter. Criteria: Ambry Variant Classification Scheme 2023. Collection method: clinical testing. Allele origin: germline.
Comment: The p.Y176C variant (also known as c.527A>G), located in coding exon 5 of the BMPR1A gene, results from an A to G substitution at nucleotide position 527. The tyrosine at codon 176 is replaced by cysteine, an amino acid with highly dissimilar properties. This amino acid position is conserved. In addition, this alteration is predicted to be deleterious by in silico analysis. Based on the available evidence, the clinical significance of this variant remains unclear.